The following is an entry in ClinVar:

ClinVar aggregate classification (germline): Uncertain significance (1 of 4 stars; one submission).

Conditions:
Charcot-Marie-Tooth Neuropathy X. Identifiers: MedGen CN118851.

Submission:

Labcorp Genetics (formerly Invitae), Labcorp
Classification: Uncertain significance for Charcot-Marie-Tooth Neuropathy X. Last evaluated: 2023-12-13. Review status: criteria provided, single submitter. Criteria: Invitae Variant Classification Sherloc (09022015). Collection method: clinical testing. Allele origin: germline.
Comment: This sequence change replaces threonine, which is neutral and polar, with asparagine, which is neutral and polar, at codon 191 of the GJB1 protein (p.Thr191Asn). This variant is not present in population databases (gnomAD no frequency). This variant has not been reported in the literature in individuals affected with GJB1-related conditions. Advanced modeling of protein sequence and biophysical properties (such as structural, functional, and spatial information, amino acid conservation, physicochemical variation, residue mobility, and thermodynamic stability) has been performed at Invitae for this missense variant, however the output from this modeling did not meet the statistical confidence thresholds required to predict the impact of this variant on GJB1 protein function. In summary, the available evidence is currently insufficient to determine the role of this variant in disease. Therefore, it has been classified as a Variant of Uncertain Significance.

NM_000166.6(GJB1):c.572C>A (p.Thr191Asn)

Gene: GJB1 (gap junction protein beta 1; plus strand). Cytogenetic location: Xq13.1.
Variant type: single nucleotide variant.
Coding change: c.572C>A on transcript NM_000166.6 (MANE Select); coding-DNA position 572, C replaced by A.
Protein change: p.Thr191Asn; replaces threonine 191 with asparagine.
Molecular consequence: missense variant.
Genome position (GRCh38, 1-based): chrX:71,224,279, C>A. VCF-style: chrX-71224279-C-A. GRCh37 (hg19) VCF-style: chrX-70444129-C-A.
Other names: c.572C>A, p.Thr191Asn (NM_001097642.3); short protein forms T191N.
Identifiers: ClinVar variation 2702792 (VCV002702792.3), dbSNP rs2519798865, ClinGen allele CA413503206.